The following is an entry in ClinVar:

NM_130837.3(OPA1):c.1305+1G>C

Gene: OPA1 (OPA1 mitochondrial dynamin like GTPase; plus strand). Cytogenetic location: 3q29.
Variant type: single nucleotide variant.
Coding change: c.1305+1G>C on transcript NM_130837.3 (MANE Select); the canonical splice donor site of the intron after coding-DNA position 1305, G replaced by C.
Molecular consequence: splice donor variant.
Genome position (GRCh38, 1-based): chr3:193,643,050, G>C. VCF-style: chr3-193643050-G-C. GRCh37 (hg19) VCF-style: chr3-193360839-G-C.
Other names: c.768+1G>C (NM_001354664.2); c.771+1G>C (NM_001354663.2); c.1194+1G>C (NM_130834.3); c.1251+1G>C (NM_130836.3); c.1140+1G>C (NM_015560.3); c.1197+1G>C (NM_130835.3); c.1086+1G>C (NM_130832.3); c.1143+1G>C (NM_130833.3); and 1 more.
Identifiers: ClinVar variation 2054732 (VCV002054732.4), dbSNP rs745927258, ClinGen allele CA2759330.

ClinVar aggregate classification (germline): Pathogenic (1 of 4 stars; one submission).

Allele frequency attached by ClinVar (database versions not stated): TOPMed below 0.00001; ExAC 0.00001; gnomAD 0.00001.
gnomAD v4.1: 1 of 1,607,746 alleles (0.000062%); highest among the groups gnomAD compares: African/African-American, 0.0013%; no homozygotes.

Submission:

Labcorp Genetics (formerly Invitae), Labcorp
Classification: Pathogenic. Last evaluated: 2022-08-16. Review status: criteria provided, single submitter. Criteria: Invitae Variant Classification Sherloc (09022015). Collection method: clinical testing. Allele origin: germline.
Comment: For these reasons, this variant has been classified as Pathogenic. Algorithms developed to predict the effect of sequence changes on RNA splicing suggest that this variant may disrupt the consensus splice site. Disruption of this splice site has been observed in individuals with autosomal dominant optic atrophy (PMID: 14961560, 22857269). This variant is present in population databases (rs745927258, gnomAD 0.007%). This sequence change affects a donor splice site in intron 11 of the OPA1 gene. It is expected to disrupt RNA splicing. Variants that disrupt the donor or acceptor splice site typically lead to a loss of protein function (PMID: 16199547), and loss-of-function variants in OPA1 are known to be pathogenic (PMID: 11440988, 20157015, 20952381, 25012220).

Literature cited by the submitters: PubMed 14961560; PubMed 22857269; PubMed 16199547; PubMed 11440988; PubMed 20157015; PubMed 20952381; PubMed 25012220.